The following is an entry in ClinVar:

NM_033305.3(VPS13A):c.7096C>T (p.Pro2366Ser)

Gene: VPS13A (vacuolar protein sorting 13 homolog A; plus strand). Cytogenetic location: 9q21.2.
Variant type: single nucleotide variant.
Coding change: c.7096C>T on transcript NM_033305.3 (MANE Select); coding-DNA position 7096, C replaced by T.
Protein change: p.Pro2366Ser; replaces proline 2366 with serine.
Molecular consequence: missense variant.
Genome position (GRCh38, 1-based): chr9:77,344,222, C>T. VCF-style: chr9-77344222-C-T. GRCh37 (hg19) VCF-style: chr9-79959138-C-T.
Other names: c.6979C>T, p.Pro2327Ser (NM_001018037.2); c.7096C>T, p.Pro2366Ser (NM_001018038.3, NM_015186.4); short protein forms P2366S, P2327S.
Identifiers: ClinVar variation 367408 (VCV000367408.55), dbSNP rs200107412, ClinGen allele CA5093212.
Genomic context (GRCh38, chr9:77,344,222, plus strand): 5'-TTTTGGCCTGAGTATGCTTCTAGTAAACTTCTTATTCAAGTCGAAAGGAGTGAAGATCCT[C>T]CCAAAAGGATATATTTTAACAAGCAGGAAAATTGTATTCTATTGCGTCTAGATAACGAGG-3'
Protein context (NP_150648.2, residues 2356-2376): LIQVERSEDP[Pro2366Ser]KRIYFNKQEN

ClinVar aggregate classification (germline): Uncertain significance. Review status: criteria provided, multiple submitters, no conflicts (2 of 4 stars). 7 submissions from 7 submitters: Uncertain significance (6). 1 of the submissions does not count toward it. Last evaluated 2024-11-22.

Conditions:
VPS13A-related neurodegenerative disease. Also called: VPS13A Disease; Choreaacanthocytosis; Choreoacanthocytosis; Chorea-acanthocytosis; ACANTHOCYTOSIS WITH NEUROLOGIC DISORDER; LEVINE-CRITCHLEY SYNDROME. Identifiers: Orphanet 2388, MedGen C0393576, MONDO:0008695, OMIM 200150.
VPS13A-related disorder. Also called: VPS13A-related condition.

Allele frequency attached by ClinVar (database versions not stated): gnomAD 0.00016 and 0.00018; TOPMed 0.00019; gnomAD exomes 0.00021 and 0.00026; ExAC 0.00024; 1000 Genomes Project 0.00060; 1000 Genomes Project 30x 0.00062.
gnomAD v4.1: 333 of 1,613,128 alleles (0.021%); highest among the groups gnomAD compares: Middle Eastern, 0.2%; 1 homozygote.

Submissions (7):

Blueprint Genetics
Classification: Uncertain significance. Last evaluated: 2024-11-22. Review status: criteria provided, single submitter. Criteria: ACMG Guidelines, 2015. Collection method: clinical testing. Allele origin: germline.

Labcorp Genetics (formerly Invitae), Labcorp
Classification: Uncertain significance. Last evaluated: 2024-10-17. Review status: criteria provided, single submitter. Criteria: Invitae Variant Classification Sherloc (09022015). Collection method: clinical testing. Allele origin: germline.
Comment: This sequence change replaces proline, which is neutral and non-polar, with serine, which is neutral and polar, at codon 2366 of the VPS13A protein (p.Pro2366Ser). This variant is present in population databases (rs200107412, gnomAD 0.05%). This variant has not been reported in the literature in individuals affected with VPS13A-related conditions. ClinVar contains an entry for this variant (Variation ID: 367408). An algorithm developed to predict the effect of missense changes on protein structure and function (PolyPhen-2) suggests that this variant is likely to be disruptive. In summary, the available evidence is currently insufficient to determine the role of this variant in disease. Therefore, it has been classified as a Variant of Uncertain Significance.

Revvity Omics, Revvity
Classification: Uncertain significance for VPS13A-related neurodegenerative disease. Last evaluated: 2022-09-20. Review status: criteria provided, single submitter. Criteria: ACMG Guidelines, 2015. Collection method: clinical testing. Allele origin: germline.

Genome-Nilou Lab
Classification: Uncertain significance for VPS13A-related neurodegenerative disease. Last evaluated: 2021-07-22. Review status: criteria provided, single submitter. Criteria: ACMG Guidelines, 2015. Collection method: clinical testing. Allele origin: germline. Affected: no.

Illumina Laboratory Services, Illumina
Classification: Uncertain significance for VPS13A-related neurodegenerative disease. Last evaluated: 2018-01-12. Review status: criteria provided, single submitter. Criteria: ICSL Variant Classification Criteria 13 December 2019. Collection method: clinical testing. Allele origin: germline.

CeGaT Center for Human Genetics Tuebingen
Classification: Uncertain significance. Last evaluated: 2017-06-01. Review status: criteria provided, single submitter. Criteria: CeGaT Center For Human Genetics Tuebingen Variant Classification Criteria Version 2. Collection method: clinical testing. Allele origin: germline. Affected: yes. Observed: 1 variant allele.

PreventionGenetics, part of Exact Sciences
Classification: Uncertain significance for VPS13A-related condition. Last evaluated: 2024-03-25. Review status: no assertion criteria provided. Collection method: clinical testing. Allele origin: germline. Not counted in ClinVar's aggregate classification.
Comment: The VPS13A c.7096C>T variant is predicted to result in the amino acid substitution p.Pro2366Ser. To our knowledge, this variant has not been reported in the literature. This variant is reported in 0.048% of alleles in individuals of Ashkenazi Jewish descent in gnomAD. At this time, the clinical significance of this variant is uncertain due to the absence of conclusive functional and genetic evidence.